The following is an entry in ClinVar:

NM_020949.3(SLC7A14):c.1019T>C (p.Ile340Thr)

Genes: SLC7A14 (solute carrier family 7 member 14; minus strand), SLC7A14-AS1 (SLC7A14 antisense RNA 1; plus strand). Cytogenetic location: 3q26.2.
Variant type: single nucleotide variant.
Coding change: c.1019T>C on transcript NM_020949.3 (MANE Select); coding-DNA position 1019, T replaced by C.
Protein change: p.Ile340Thr; replaces isoleucine 340 with threonine.
Molecular consequence: missense variant.
Genome position (GRCh38, 1-based): chr3:170,483,410, A>G on the plus strand (T>C on the coding strand, the complement: SLC7A14 is on the minus strand). VCF-style: chr3-170483410-A-G. GRCh37 (hg19) VCF-style: chr3-170201199-A-G.
Other names: short protein forms I340T.
Identifiers: ClinVar variation 850450 (VCV000850450.11), dbSNP rs554717271, ClinGen allele CA2701743.
Genomic context (GRCh38, chr3:170,483,410, plus strand): 5'-ACCCTCGGCATCGGGAAGAGGGACCCCAGCAAGCTGACTGTCAGTCCTGCAACCGACCCA[A>G]TGGCCACTACGAATTTGGCAGCATAGAACCCATGAGCCACAAACATCTCCATGAGTGGGG-3'
Protein context (NP_066000.2, residues 330-350): GFYAAKFVVA[Ile340Thr]GSVAGLTVSL

ClinVar aggregate classification (germline): Uncertain significance. Review status: criteria provided, multiple submitters, no conflicts (2 of 4 stars). 2 submissions from 2 submitters: Uncertain significance (2). Last evaluated 2024-12-19.

Allele frequency attached by ClinVar (database versions not stated): gnomAD exomes 0.00002 and 0.00006; TOPMed 0.00003; gnomAD 0.00005 and 0.00006; ExAC 0.00007; 1000 Genomes Project 30x 0.00016; 1000 Genomes Project 0.00020.
gnomAD v4.1: 42 of 1,614,210 alleles (0.0026%); highest among the groups gnomAD compares: South Asian, 0.034%; no homozygotes.

Submissions (2):

Labcorp Genetics (formerly Invitae), Labcorp
Classification: Uncertain significance. Last evaluated: 2024-12-19. Review status: criteria provided, single submitter. Criteria: Invitae Variant Classification Sherloc (09022015). Collection method: clinical testing. Allele origin: germline.
Comment: This sequence change replaces isoleucine, which is neutral and non-polar, with threonine, which is neutral and polar, at codon 340 of the SLC7A14 protein (p.Ile340Thr). This variant is present in population databases (rs554717271, gnomAD 0.03%). This variant has not been reported in the literature in individuals affected with SLC7A14-related conditions. ClinVar contains an entry for this variant (Variation ID: 850450). An algorithm developed to predict the effect of missense changes on protein structure and function (PolyPhen-2) suggests that this variant is likely to be tolerated. In summary, the available evidence is currently insufficient to determine the role of this variant in disease. Therefore, it has been classified as a Variant of Uncertain Significance.

Blueprint Genetics
Classification: Uncertain significance. Last evaluated: 2022-05-03. Review status: criteria provided, single submitter. Criteria: ACMG Guidelines, 2015. Collection method: clinical testing. Allele origin: germline.